The following is an entry in ClinVar:

NM_206933.4(USH2A):c.14287G>C (p.Gly4763Arg)

Gene: USH2A (usherin; minus strand). Cytogenetic location: 1q41.
Variant type: single nucleotide variant.
Coding change: c.14287G>C on transcript NM_206933.4 (MANE Select); coding-DNA position 14287, G replaced by C.
Protein change: p.Gly4763Arg; replaces glycine 4763 with arginine.
Molecular consequence: missense variant.
Genome position (GRCh38, 1-based): chr1:215,650,648, C>G on the plus strand (G>C on the coding strand, the complement: USH2A is on the minus strand). VCF-style: chr1-215650648-C-G. GRCh37 (hg19) VCF-style: chr1-215823990-C-G.
Other names: short protein forms G4763R.
Identifiers: ClinVar variation 1457114 (VCV001457114.6), dbSNP rs397517990, ClinGen allele CA344835145.

ClinVar aggregate classification (germline): Pathogenic (1 of 4 stars; one submission).

Submission:

Labcorp Genetics (formerly Invitae), Labcorp
Classification: Pathogenic. Last evaluated: 2024-10-08. Review status: criteria provided, single submitter. Criteria: Invitae Variant Classification Sherloc (09022015). Collection method: clinical testing. Allele origin: germline.
Comment: This sequence change replaces glycine, which is neutral and non-polar, with arginine, which is basic and polar, at codon 4763 of the USH2A protein (p.Gly4763Arg). This variant is not present in population databases (gnomAD no frequency). This missense change has been observed in individual(s) with clinical features of Usher syndrome and/or retinal disease (PMID: 25133613, 25649381, 27460420, 33781268; internal data). In at least one individual the data is consistent with being in trans (on the opposite chromosome) from a pathogenic variant. ClinVar contains an entry for this variant (Variation ID: 1457114). Invitae Evidence Modeling of protein sequence and biophysical properties (such as structural, functional, and spatial information, amino acid conservation, physicochemical variation, residue mobility, and thermodynamic stability) indicates that this missense variant is expected to disrupt USH2A protein function with a positive predictive value of 95%. For these reasons, this variant has been classified as Pathogenic.

Literature cited by the submitters: PubMed 25133613; PubMed 25649381; PubMed 27460420; PubMed 33781268.